The following is an entry in ClinVar:

ClinVar aggregate classification (germline): Uncertain significance (1 of 4 stars; one submission).

Submission:

Women's Health and Genetics/Laboratory Corporation of America, LabCorp
Classification: Uncertain significance. Last evaluated: 2024-06-13. Review status: criteria provided, single submitter. Criteria: LabCorp Variant Classification Summary - May 2015. Collection method: clinical testing. Allele origin: germline.
Comment: Variant summary: CPLANE1 c.2612G>T (p.Arg871Leu) results in a non-conservative amino acid change in the encoded protein sequence. Three of four in-silico tools predict a damaging effect of the variant on protein function. The variant allele was found at a frequency of 1.3e-06 in 1506798 control chromosomes (gnomAD). The available data on variant occurrences in the general population are insufficient to allow any conclusion about variant significance. To our knowledge, no occurrence of c.2612G>T in individuals affected with Joubert Syndrome And Related Disorders and no experimental evidence demonstrating its impact on protein function have been reported. No submitters have cited clinical-significance assessments for this variant to ClinVar. Based on the evidence outlined above, the variant was classified as uncertain significance.

NM_001384732.1(CPLANE1):c.2612G>T (p.Arg871Leu)

Gene: CPLANE1 (ciliogenesis and planar polarity effector complex subunit 1; minus strand). Cytogenetic location: 5p13.2.
Variant type: single nucleotide variant.
Coding change: c.2612G>T on transcript NM_001384732.1 (MANE Select); coding-DNA position 2612, G replaced by T.
Protein change: p.Arg871Leu; replaces arginine 871 with leucine.
Molecular consequence: missense variant.
Genome position (GRCh38, 1-based): chr5:37,221,458, C>A on the plus strand (G>T on the coding strand, the complement: CPLANE1 is on the minus strand). VCF-style: chr5-37221458-C-A. GRCh37 (hg19) VCF-style: chr5-37221560-C-A.
Other names: c.2612G>T, p.Arg871Leu (NM_023073.4); short protein forms R871L.
Identifiers: ClinVar variation 3339553 (VCV003339553.1).
Genomic context (GRCh38, chr5:37,221,458, plus strand): 5'-CCTTGAGCATCATTTAAATTATAGCTATAGAGGTGGCAGTATAAGAGAGAAAGATAATAG[C>A]GTATCTGAAGAAAATACGTCCTTCTTCCTCCTGAAACAAGAAGTAAGCTCACCTTAAAAG-3'
Protein context (NP_001371661.1, residues 861-881): GGRRTYFLQI[Arg871Leu]YYLSLLYCHL